The following is an entry in ClinVar:

NM_001375524.1(TRRAP):c.3713T>A (p.Phe1238Tyr)

Gene: TRRAP (transformation/transcription domain associated protein; plus strand). Cytogenetic location: 7q22.1.
Variant type: single nucleotide variant.
Coding change: c.3713T>A on transcript NM_001375524.1 (MANE Select); coding-DNA position 3713, T replaced by A.
Protein change: p.Phe1238Tyr; replaces phenylalanine 1238 with tyrosine.
Molecular consequence: missense variant.
Genome position (GRCh38, 1-based): chr7:98,931,526, T>A. VCF-style: chr7-98931526-T-A. GRCh37 (hg19) VCF-style: chr7-98529149-T-A.
Other names: c.3713T>A, p.Phe1238Tyr (NM_001244580.2, NM_003496.4); short protein forms F1238Y.
Identifiers: ClinVar variation 3375868 (VCV003375868.1).

ClinVar aggregate classification (germline): Uncertain significance (1 of 4 stars; one submission).

Submission:

GeneDx
Classification: Uncertain significance. Last evaluated: 2024-05-06. Review status: criteria provided, single submitter. Criteria: GeneDx Variant Classification Process June 2021. Collection method: clinical testing. Allele origin: germline. Affected: yes.
Comment: Not observed at significant frequency in large population cohorts (gnomAD); In silico analysis indicates that this missense variant does not alter protein structure/function; Has not been previously published as pathogenic or benign to our knowledge